The following is an entry in ClinVar:

ClinVar aggregate classification (germline): Conflicting classifications of pathogenicity. Review status: criteria provided, conflicting classifications (1 of 4 stars). 3 submissions from 3 submitters: Uncertain significance (2); Likely benign (1). Last evaluated 2025-03-12.

Conditions:
Shprintzen-Goldberg syndrome (SGS). Also called: SHPRINTZEN-GOLDBERG CRANIOSYNOSTOSIS SYNDROME; CRANIOSYNOSTOSIS WITH ARACHNODACTYLY AND ABDOMINAL HERNIAS; Marfanoid disorder with craniosynostosis type 1; Marfanoid craniosynostosis syndrome; Shprintzen-Goldberg marfanoid syndrome. Identifiers: Orphanet 2462, MedGen C1321551, MONDO:0008426, OMIM 182212.
Familial thoracic aortic aneurysm and aortic dissection (TAAD). Also called: Thoracic aortic aneurysms and dissections. Identifiers: Orphanet 91387, MedGen C4707243, MONDO:0019625.

Allele frequency attached by ClinVar (database versions not stated): TOPMed 0.00005; ExAC below 0.00001; gnomAD 0.00001.
gnomAD v4.1: 6 of 1,384,866 alleles (0.00043%); highest among the groups gnomAD compares: East Asian, 0.01%; no homozygotes.

Submissions (3):

Labcorp Genetics (formerly Invitae), Labcorp
Classification: Likely benign for Shprintzen-Goldberg syndrome. Last evaluated: 2025-03-12. Review status: criteria provided, single submitter. Criteria: Invitae Variant Classification Sherloc (09022015). Collection method: clinical testing. Allele origin: germline.

Ambry Genetics
Classification: Uncertain significance for Familial thoracic aortic aneurysm and aortic dissection. Last evaluated: 2023-11-28. Review status: criteria provided, single submitter. Criteria: Ambry Variant Classification Scheme 2023. Collection method: clinical testing. Allele origin: germline.

ARUP Laboratories, Molecular Genetics and Genomics, ARUP Laboratories
Classification: Uncertain significance. Last evaluated: 2018-03-11. Review status: criteria provided, single submitter. Criteria: ARUP Molecular Germline Variant Investigation Process. Collection method: clinical testing. Allele origin: germline.
Comment: The SKI c.163G>C; p.Ala55Pro variant (rs769506718), to our knowledge, is not reported in the medical literature, gene specific variation databases, nor has it been previously identified by our laboratory. This variant is listed in the genome Aggregation Database (gnomAD) with an overall population frequency of 0.007% (identified on 2 out of 28,360 chromosomes). The alanine at position 55 is weakly conserved, considering 14 species, and computational analyses of the effects of the p.Ala55Pro variant on protein structure and function do not predict a deleterious effect (SIFT: tolerated, PolyPhen-2: benign). Based on the available information, the clinical significance of the p.Ala55Pro variant cannot be determined with certainty.

NM_003036.4(SKI):c.163G>C (p.Ala55Pro)

Gene: SKI (SKI proto-oncogene; plus strand). Cytogenetic location: 1p36.33.
Variant type: single nucleotide variant.
Coding change: c.163G>C on transcript NM_003036.4 (MANE Select); coding-DNA position 163, G replaced by C.
Protein change: p.Ala55Pro; replaces alanine 55 with proline.
Molecular consequence: missense variant.
Genome position (GRCh38, 1-based): chr1:2,228,929, G>C. VCF-style: chr1-2228929-G-C. GRCh37 (hg19) VCF-style: chr1-2160368-G-C.
Other names: short protein forms A55P.
Identifiers: ClinVar variation 978540 (VCV000978540.13), dbSNP rs769506718, ClinGen allele CA536342.